The following is an entry in ClinVar:

NM_000297.4(PKD2):c.272A>G (p.Asn91Ser)

Genes: PKD2 (polycystin 2, transient receptor potential cation channel; plus strand), LOC129992813 (ATAC-STARR-seq lymphoblastoid silent region 15559; plus strand). Cytogenetic location: 4q22.1.
Variant type: single nucleotide variant.
Coding change: c.272A>G on transcript NM_000297.4 (MANE Select); coding-DNA position 272, A replaced by G.
Protein change: p.Asn91Ser; replaces asparagine 91 with serine.
Molecular consequence: missense variant. On other transcripts: non-coding transcript variant (1).
Genome position (GRCh38, 1-based): chr4:88,008,005, A>G. VCF-style: chr4-88008005-A-G. GRCh37 (hg19) VCF-style: chr4-88929157-A-G.
Other names: short protein forms N91S.
Identifiers: ClinVar variation 3623968 (VCV003623968.2).

ClinVar aggregate classification (germline): Uncertain significance (1 of 4 stars; one submission).

Conditions:
Autosomal dominant polycystic kidney disease. Identifiers: Orphanet 730, MedGen C0085413, MONDO:0004691.

gnomAD v4.1: 2 of 1,517,308 alleles (0.00013%); highest among the groups gnomAD compares: Non-Finnish European, 0.00018%; no homozygotes.

Submission:

Labcorp Genetics (formerly Invitae), Labcorp
Classification: Uncertain significance for Autosomal dominant polycystic kidney disease. Last evaluated: 2024-06-13. Review status: criteria provided, single submitter. Criteria: Invitae Variant Classification Sherloc (09022015). Collection method: clinical testing. Allele origin: germline.
Comment: This sequence change replaces asparagine, which is neutral and polar, with serine, which is neutral and polar, at codon 91 of the PKD2 protein (p.Asn91Ser). This variant is not present in population databases (gnomAD no frequency). This variant has not been reported in the literature in individuals affected with PKD2-related conditions. An algorithm developed to predict the effect of missense changes on protein structure and function (PolyPhen-2) suggests that this variant is likely to be disruptive. In summary, the available evidence is currently insufficient to determine the role of this variant in disease. Therefore, it has been classified as a Variant of Uncertain Significance.